The following is an entry in ClinVar:

ClinVar aggregate classification (germline): Uncertain significance (1 of 4 stars; one submission).

Conditions:
Charcot-Marie-Tooth disease axonal type 2O. Also called: CHARCOT-MARIE-TOOTH NEUROPATHY, AXONAL, TYPE 2O; CHARCOT-MARIE-TOOTH DISEASE, AXONAL, AUTOSOMAL DOMINANT, TYPE 2O; Charcot-Marie-Tooth Neuropathy Type 2O; Charcot-Marie-Tooth disease, axonal, type 20. Identifiers: Orphanet 284232, MedGen C3280220, MONDO:0013644, OMIM 614228.

Allele frequency attached by ClinVar (database versions not stated): gnomAD exomes below 0.00001.
gnomAD v4.1: 1 of 1,614,210 alleles (0.000062%); highest among the groups gnomAD compares: Non-Finnish European, 0.000085%; no homozygotes.

Submission:

Labcorp Genetics (formerly Invitae), Labcorp
Classification: Uncertain significance for Charcot-Marie-Tooth disease axonal type 2O. Last evaluated: 2019-11-01. Review status: criteria provided, single submitter. Criteria: Invitae Variant Classification Sherloc (09022015). Collection method: clinical testing. Allele origin: germline.
Comment: This variant is not present in population databases (ExAC no frequency). This sequence change replaces threonine with alanine at codon 4628 of the DYNC1H1 protein (p.Thr4628Ala). The threonine residue is highly conserved and there is a small physicochemical difference between threonine and alanine. This variant has not been reported in the literature in individuals with DYNC1H1-related conditions. Algorithms developed to predict the effect of missense changes on protein structure and function (SIFT, PolyPhen-2, Align-GVGD) all suggest that this variant is likely to be tolerated, but these predictions have not been confirmed by published functional studies and their clinical significance is uncertain. In summary, the available evidence is currently insufficient to determine the role of this variant in disease. Therefore, it has been classified as a Variant of Uncertain Significance.

NM_001376.5(DYNC1H1):c.13882A>G (p.Thr4628Ala)

Gene: DYNC1H1 (dynein cytoplasmic 1 heavy chain 1; plus strand). Cytogenetic location: 14q32.31.
Variant type: single nucleotide variant.
Coding change: c.13882A>G on transcript NM_001376.5 (MANE Select); coding-DNA position 13882, A replaced by G.
Protein change: p.Thr4628Ala; replaces threonine 4628 with alanine.
Molecular consequence: missense variant.
Genome position (GRCh38, 1-based): chr14:102,050,504, A>G. VCF-style: chr14-102050504-A-G. GRCh37 (hg19) VCF-style: chr14-102516841-A-G.
Other names: short protein forms T4628A.
Identifiers: ClinVar variation 957003 (VCV000957003.9), dbSNP rs2048794686, ClinGen allele CA391052492.